The following is an entry in ClinVar:

ClinVar aggregate classification (germline): Likely benign (0 of 4 stars; one submission).

Conditions:
ISCU-related disorder. Also called: ISCU-related condition.

Allele frequency attached by ClinVar (database versions not stated): gnomAD 0.00002.
gnomAD v4.1: 33 of 1,457,252 alleles (0.0023%); highest among the groups gnomAD compares: Non-Finnish European, 0.0028%; no homozygotes.

Submission:

PreventionGenetics, part of Exact Sciences
Classification: Likely benign for ISCU-related condition. Last evaluated: 2022-06-14. Review status: no assertion criteria provided. Collection method: clinical testing. Allele origin: germline.
Comment: This variant is classified as likely benign based on ACMG/AMP sequence variant interpretation guidelines (Richards et al. 2015 PMID: 25741868, with internal and published modifications).

NM_213595.4(ISCU):c.418+689G>A

Gene: ISCU (iron-sulfur cluster assembly enzyme; plus strand). Cytogenetic location: 12q23.3.
Variant type: single nucleotide variant.
Coding change: c.418+689G>A on transcript NM_213595.4 (MANE Select); 689 bases into the intron after coding-DNA position 418, G replaced by A.
Molecular consequence: intron variant. On other transcripts: synonymous variant (1), 3 prime UTR variant (1).
Genome position (GRCh38, 1-based): chr12:108,567,957, G>A. VCF-style: chr12-108567957-G-A. GRCh37 (hg19) VCF-style: chr12-108961733-G-A.
Other names: c.456G>A, p.Ser152= (NM_001301141.1); c.*253G>A (NM_001320042.1); c.343+689G>A (NM_014301.4); c.*39+214G>A (NM_001301140.1).
Identifiers: ClinVar variation 3054172 (VCV003054172.2), dbSNP rs1046379934, ClinGen allele CA607246896.